The following is an entry in ClinVar:

ClinVar aggregate classification (germline): Uncertain significance (1 of 4 stars; one submission).

Conditions:
Myopathy, tubular aggregate, 2 (TAM2). Identifiers: MedGen C4014557, MONDO:0014383, OMIM 615883.
Combined immunodeficiency due to ORAI1 deficiency. Also called: IMMUNODEFICIENCY 9. Identifiers: Orphanet 169090, Orphanet 317428, MedGen C2748568, MONDO:0013007, OMIM 612782.

Submission:

Labcorp Genetics (formerly Invitae), Labcorp
Classification: Uncertain significance for Myopathy, tubular aggregate, 2; Combined immunodeficiency due to ORAI1 deficiency. Last evaluated: 2024-06-13. Review status: criteria provided, single submitter. Criteria: Invitae Variant Classification Sherloc (09022015). Collection method: clinical testing. Allele origin: germline.
Comment: This variant, c.71_73dup, results in the insertion of 1 amino acid(s) of the ORAI1 protein (p.Thr24dup), but otherwise preserves the integrity of the reading frame. This variant is present in population databases (no rsID available, gnomAD 0.02%). This variant has not been reported in the literature in individuals affected with ORAI1-related conditions. In summary, the available evidence is currently insufficient to determine the role of this variant in disease. Therefore, it has been classified as a Variant of Uncertain Significance.

NR_186857.1(ORAI1):n.281CCA[3]

Genes: ORAI1 (ORAI calcium release-activated calcium modulator 1; plus strand), LOC130008987 (ATAC-STARR-seq lymphoblastoid silent region 4981; plus strand). Cytogenetic location: 12q24.31.
Variant type: Microsatellite.
Molecular consequence: non-coding transcript variant (on NR_186857.1).
Genome position: GRCh38 VCF-style: chr12-121626807-G-GCAC. GRCh37 (hg19) VCF-style: chr12-122064712-G-GCAC.
Identifiers: ClinVar variation 3761896 (VCV003761896.2).